The following is an entry in ClinVar:

NM_006506.5(RASA2):c.290G>C (p.Arg97Thr)

Gene: RASA2 (RAS p21 protein activator 2; plus strand). Cytogenetic location: 3q23.
Variant type: single nucleotide variant.
Coding change: c.290G>C on transcript NM_006506.5 (MANE Select); coding-DNA position 290, G replaced by C.
Protein change: p.Arg97Thr; replaces arginine 97 with threonine.
Molecular consequence: missense variant.
Genome position (GRCh38, 1-based): chr3:141,516,366, G>C. VCF-style: chr3-141516366-G-C. GRCh37 (hg19) VCF-style: chr3-141235208-G-C.
Other names: c.290G>C, p.Arg97Thr (NM_001303245.3, NM_001303246.3); short protein forms R97T.
Identifiers: ClinVar variation 4741360 (VCV004741360.1).

ClinVar aggregate classification (germline): Uncertain significance (1 of 4 stars; one submission).

gnomAD v4.1: 1 of 1,568,200 alleles (0.000064%); highest among the groups gnomAD compares: Non-Finnish European, 0.000086%; no homozygotes.

Submission:

Labcorp Genetics (formerly Invitae), Labcorp
Classification: Uncertain significance. Last evaluated: 2025-05-30. Review status: criteria provided, single submitter. Criteria: Invitae Variant Classification Sherloc (09022015). Collection method: clinical testing. Allele origin: germline.
Comment: This sequence change replaces arginine, which is basic and polar, with threonine, which is neutral and polar, at codon 97 of the RASA2 protein (p.Arg97Thr). This variant is not present in population databases (gnomAD no frequency). This variant has not been reported in the literature in individuals affected with RASA2-related conditions. Invitae Evidence Modeling of protein sequence and biophysical properties (such as structural, functional, and spatial information, amino acid conservation, physicochemical variation, residue mobility, and thermodynamic stability) indicates that this missense variant is expected to disrupt RASA2 protein function with a positive predictive value of 80%. In summary, the available evidence is currently insufficient to determine the role of this variant in disease. Therefore, it has been classified as a Variant of Uncertain Significance.